The following is an entry in ClinVar:

ClinVar aggregate classification (germline): Uncertain significance (0 of 4 stars; one submission).

Conditions:
PCSK1-related disorder. Also called: PCSK1-related condition.

Allele frequency attached by ClinVar (database versions not stated): TOPMed 0.00001.
gnomAD v4.1: 4 of 1,613,824 alleles (0.00025%); highest among the groups gnomAD compares: Non-Finnish European, 0.00034%; no homozygotes.

Submission:

PreventionGenetics, part of Exact Sciences
Classification: Uncertain significance for PCSK1-related condition. Last evaluated: 2024-01-25. Review status: no assertion criteria provided. Collection method: clinical testing. Allele origin: germline.
Comment: The PCSK1 c.1807C>T variant is predicted to result in premature protein termination (p.Gln603*). To our knowledge, this variant has not been reported in the literature or in a large population database, indicating this variant is rare. While premature termination variants in PCKS1 are expected to be pathogenic, the majority of truncating variants reported in the literature have been upstream of this position. Although we suspect that this variant may be pathogenic, at this time, the clinical significance of this variant is uncertain due to the absence of conclusive functional and genetic evidence.

NM_000439.5(PCSK1):c.1807C>T (p.Gln603Ter)

Genes: PCSK1 (proprotein convertase subtilisin/kexin type 1; minus strand), CAST (calpastatin; plus strand), LOC101929710 (uncharacterized LOC101929710; plus strand). Cytogenetic location: 5q15.
Variant type: single nucleotide variant.
Coding change: c.1807C>T on transcript NM_000439.5 (MANE Select); coding-DNA position 1807, C replaced by T.
Protein change: p.Gln603Ter; replaces glutamine 603 with a stop codon.
Molecular consequence: nonsense. On other transcripts: intron variant (11).
Genome position (GRCh38, 1-based): chr5:96,394,941, G>A on the plus strand (C>T on the coding strand, the complement: PCSK1 is on the minus strand). VCF-style: chr5-96394941-G-A. GRCh37 (hg19) VCF-style: chr5-95730645-G-A.
Other names: c.1666C>T, p.Gln556Ter (NM_001177875.2); c.-175+15289G>A (NM_001423254.1, NM_001423259.1, NM_001423255.1 and 6 more transcripts); c.-103+15289G>A (NM_001423253.1); c.-40+15289G>A (NM_001423258.1); short protein forms Q556*, Q603*.
Identifiers: ClinVar variation 3040506 (VCV003040506.2), dbSNP rs1456842466, ClinGen allele CA360477973.
Genomic context (GRCh38, chr5:96,394,941, plus strand): 5'-TCTTCTCCACCCCTCTTCTGTCATTCTGAACAGTGTTGTAGGACGTGTACACACGAGGCT[G>A]CTTCATATGCTCTGGCTGAGAAGAGGTCCCGTGCAAAATCAGCTTCCAGTTCACAATTCT-3'